The following is an entry in ClinVar:

NM_001655.5(ARCN1):c.707A>G (p.Asp236Gly)

Gene: ARCN1 (archain 1 coat protein complex I subunit delta; plus strand). Cytogenetic location: 11q23.3.
Variant type: single nucleotide variant.
Coding change: c.707A>G on transcript NM_001655.5 (MANE Select); coding-DNA position 707, A replaced by G.
Protein change: p.Asp236Gly; replaces aspartic acid 236 with glycine.
Molecular consequence: missense variant. On other transcripts: non-coding transcript variant (2), intron variant (1).
Genome position (GRCh38, 1-based): chr11:118,584,533, A>G. VCF-style: chr11-118584533-A-G. GRCh37 (hg19) VCF-style: chr11-118455248-A-G.
Other names: c.443A>G, p.Asp148Gly (NM_001142281.2, NM_001425081.1); c.707A>G, p.Asp236Gly (NM_001425073.1, NM_001425078.1); c.704A>G, p.Asp235Gly (NM_001425074.1, NM_001425079.1); c.650A>G, p.Asp217Gly (NM_001425075.1); c.638A>G, p.Asp213Gly (NM_001425076.1); c.263A>G, p.Asp88Gly (NM_001425080.1); c.653+519A>G (NM_001425077.1); short protein forms D148G, D213G, D217G, D235G, D236G, D88G.
Identifiers: ClinVar variation 4882695 (VCV004882695.2).
Genomic context (GRCh38, chr11:118,584,533, plus strand): 5'-CACTTAGGCCTTCAGGCCCCAGCAAGGCTTTAAAACTTGGAGCCAAAGGAAAGGAAGTAG[A>G]TAACTTTGTGGACAAATTAAAATCTGAAGGTGAAACCATCATGTCCTCTAGTATGGGCAA-3'
Protein context (NP_001646.2, residues 226-246): LKLGAKGKEV[Asp236Gly]NFVDKLKSEG

ClinVar aggregate classification (germline): Uncertain significance (1 of 4 stars; one submission).

Conditions:
Short stature, rhizomelic, with microcephaly, micrognathia, and developmental delay (SSMG). Also called: SHORT STATURE-MICROGNATHIA SYNDROME. Identifiers: Orphanet 659702, MedGen C4310686, MONDO:0014948, OMIM 617164.

Submission:

Dasa
Classification: Uncertain significance for Short stature, rhizomelic, with microcephaly, micrognathia, and developmental delay. Last evaluated: 2025-12-31. Review status: criteria provided, single submitter. Criteria: DASA Assertion Criteria. Collection method: clinical testing. Allele origin: germline.
Comment: NM_001655.5(ARCN1):c.707A>G (p.Asp236Gly) is a missense variant that results in the substitution of aspartic acid with glycine. This variant is rare in population databases. The currently available literature and clinical evidence are not sufficient to establish a definitive association between this variant and the reported condition. Therefore, this variant is classified as a variant of uncertain significance.